The following is an entry in ClinVar:

NM_017791.3(FLVCR2):c.84GGTCCATCCCAGCGTCTC[1] (p.29VHPSVS[1])

Genes: FLVCR2 (FLVCR choline and putative heme transporter 2; plus strand), FLVCR2-AS1 (FLVCR2 antisense RNA 1; minus strand). Cytogenetic location: 14q24.3.
Variant type: Microsatellite.
Coding change: c.84GGTCCATCCCAGCGTCTC[1] on transcript NM_017791.3 (MANE Select); one copy of the 18-base unit GGTCCATCCCAGCGTCTC starting at c.84; the reference has two copies in a row; one copy, 18 bases deleted; also written c.102_119del.
Protein change: p.29VHPSVS[1].
Molecular consequence: inframe deletion. On other transcripts: non-coding transcript variant (1).
Genome position (GRCh38, 1-based): chr14:75,579,074-75,579,091, GGTCCATCCCAGCGTCTC deleted; deleting any 18 consecutive bases within chr14:75,579,045-75,579,091 gives the same sequence; the position shown is the placement nearest the transcript's 3' end. VCF-style (leftmost placement, unchanged base first): chr14-75579044-CCCCAGCGTCTCGGTCCAT-C. GRCh37 (hg19) VCF-style: chr14-76045387-CCCCAGCGTCTCGGTCCAT-C.
Other names: c.102_119del18 (NM_017791.2); c.102_119del (NM_017791.2).
Identifiers: ClinVar variation 770428 (VCV000770428.17), dbSNP rs548569935, ClinGen allele CA7278143.

ClinVar aggregate classification (germline): Likely benign. Review status: criteria provided, multiple submitters, no conflicts (2 of 4 stars). 6 submissions from 6 submitters: Likely benign (5). 1 of the submissions does not count toward it. Last evaluated 2026-04-01.

Conditions:
Inborn genetic diseases. Identifiers: MedGen C0950123, MeSH D030342.
FLVCR2-related disorder. Also called: FLVCR2-related condition.

Submissions (6):

CeGaT Center for Human Genetics Tuebingen
Classification: Likely benign. Last evaluated: 2026-04-01. Review status: criteria provided, single submitter. Criteria: CeGaT Center For Human Genetics Tuebingen Variant Classification Criteria Version 2. Collection method: clinical testing. Allele origin: germline. Affected: yes. Observed: 2 variant alleles.
Comment: FLVCR2: BS2

Labcorp Genetics (formerly Invitae), Labcorp
Classification: Likely benign. Last evaluated: 2026-02-01. Review status: criteria provided, single submitter. Criteria: Invitae Variant Classification Sherloc (09022015). Collection method: clinical testing. Allele origin: germline.

Ambry Genetics
Classification: Likely benign for Inborn genetic diseases. Last evaluated: 2025-11-19. Review status: criteria provided, single submitter. Criteria: Ambry Variant Classification Scheme 2023. Collection method: clinical testing. Allele origin: germline.

Blueprint Genetics
Classification: Likely benign. Last evaluated: 2024-11-08. Review status: criteria provided, single submitter. Criteria: ACMG Guidelines, 2015. Collection method: clinical testing. Allele origin: germline.

GeneDx
Classification: Likely benign. Last evaluated: 2021-03-01. Review status: criteria provided, single submitter. Criteria: GeneDx Variant Classification Process June 2021. Collection method: clinical testing. Allele origin: germline. Affected: yes.
Comment: See Variant Classification Assertion Criteria.

PreventionGenetics, part of Exact Sciences
Classification: Likely benign for FLVCR2-related condition. Last evaluated: 2024-06-17. Review status: no assertion criteria provided. Collection method: clinical testing. Allele origin: germline. Not counted in ClinVar's aggregate classification.
Comment: This variant is classified as likely benign based on ACMG/AMP sequence variant interpretation guidelines (Richards et al. 2015 PMID: 25741868, with internal and published modifications).